The following is an entry in ClinVar:

ClinVar aggregate classification (germline): Uncertain significance. Review status: criteria provided, multiple submitters, no conflicts (2 of 4 stars). 2 submissions from 2 submitters: Uncertain significance (2). Last evaluated 2025-08-28.

Conditions:
Long QT syndrome (LQTS). Identifiers: MedGen C0023976, MeSH D008133, MONDO:0002442. Disease mechanism: loss of function. Inheritance: Various modes of inheritance.
Cardiovascular phenotype. Identifiers: MedGen CN230736.

Allele frequency attached by ClinVar (database versions not stated): gnomAD exomes below 0.00001; ExAC 0.00001.
gnomAD v4.1: 6 of 1,614,194 alleles (0.00037%); highest among the groups gnomAD compares: African/African-American, 0.0013%; no homozygotes.

Submissions (2):

Ambry Genetics
Classification: Uncertain significance for Cardiovascular phenotype. Last evaluated: 2025-08-28. Review status: criteria provided, single submitter. Criteria: Ambry Variant Classification Scheme 2023. Collection method: clinical testing. Allele origin: germline.
Comment: The p.Q3334R variant (also known as c.10001A>G), located in coding exon 41 of the AKAP9 gene, results from an A to G substitution at nucleotide position 10001. The glutamine at codon 3334 is replaced by arginine, an amino acid with highly similar properties. This amino acid position is well conserved in available vertebrate species. In addition, this alteration is predicted to be tolerated by in silico analysis. Since supporting evidence is limited at this time, the clinical significance of this alteration remains unclear.

Labcorp Genetics (formerly Invitae), Labcorp
Classification: Uncertain significance for Long QT syndrome. Last evaluated: 2025-06-11. Review status: criteria provided, single submitter. Criteria: Invitae Variant Classification Sherloc (09022015). Collection method: clinical testing. Allele origin: germline.
Comment: This sequence change replaces glutamine, which is neutral and polar, with arginine, which is basic and polar, at codon 3334 of the AKAP9 protein (p.Gln3334Arg). This variant is present in population databases (rs766184161, gnomAD 0.0009%). This variant has not been reported in the literature in individuals affected with AKAP9-related conditions. ClinVar contains an entry for this variant (Variation ID: 1727260). An algorithm developed to predict the effect of missense changes on protein structure and function (PolyPhen-2) suggests that this variant is likely to be tolerated. In summary, the available evidence is currently insufficient to determine the role of this variant in disease. Therefore, it has been classified as a Variant of Uncertain Significance.

NM_005751.5(AKAP9):c.10001A>G (p.Gln3334Arg)

Gene: AKAP9 (A-kinase anchoring protein 9; plus strand). Cytogenetic location: 7q21.2.
Variant type: single nucleotide variant.
Coding change: c.10001A>G on transcript NM_005751.5 (MANE Select); coding-DNA position 10001, A replaced by G.
Protein change: p.Gln3334Arg; replaces glutamine 3334 with arginine.
Molecular consequence: missense variant.
Genome position (GRCh38, 1-based): chr7:92,096,960, A>G. VCF-style: chr7-92096960-A-G. GRCh37 (hg19) VCF-style: chr7-91726274-A-G.
Other names: c.4646A>G, p.Gln1549Arg (NM_001379277.1); c.9977A>G, p.Gln3326Arg (NM_147185.3); short protein forms Q1549R, Q3326R, Q3334R.
Identifiers: ClinVar variation 1727260 (VCV001727260.4), dbSNP rs766184161, ClinGen allele CA4337880.